The following is an entry in ClinVar:

NM_000179.3(MSH6):c.974A>G (p.Gln325Arg)

Gene: MSH6 (mutS homolog 6; plus strand). Cytogenetic location: 2p16.3.
Variant type: single nucleotide variant.
Coding change: c.974A>G on transcript NM_000179.3 (MANE Select); coding-DNA position 974, A replaced by G.
Protein change: p.Gln325Arg; replaces glutamine 325 with arginine.
Molecular consequence: missense variant. On other transcripts: non-coding transcript variant (4), intron variant (1).
Genome position (GRCh38, 1-based): chr2:47,798,957, A>G. VCF-style: chr2-47798957-A-G. GRCh37 (hg19) VCF-style: chr2-48026096-A-G.
Other names: c.584A>G, p.Gln195Arg (NM_001281492.2); c.68A>G, p.Gln23Arg (NM_001281493.2, NM_001281494.2, NM_001406811.1 and 6 more transcripts); c.1070A>G, p.Gln357Arg (NM_001406795.1, NM_001406802.1); c.974A>G, p.Gln325Arg (NM_001406796.1, NM_001406798.1, NM_001406800.1 and 4 more transcripts); c.677A>G, p.Gln226Arg (NM_001406797.1, NM_001406801.1, NM_001406805.1 and 10 more transcripts); c.449A>G, p.Gln150Arg (NM_001406799.1, NM_001406806.1, NM_001406807.1); c.896A>G, p.Gln299Arg (NM_001406804.1); c.980A>G, p.Gln327Arg (NM_001406813.1); and 2 more; short protein forms Q23R, Q299R, Q325R, Q150R, Q195R, Q226R, Q327R, Q357R.
Identifiers: ClinVar variation 2897463 (VCV002897463.3), dbSNP rs1669278862, ClinGen allele CA346740975.

ClinVar aggregate classification (germline): Uncertain significance (1 of 4 stars; one submission).

Conditions:
Hereditary nonpolyposis colorectal neoplasms. Identifiers: MedGen C0009405, MeSH D003123.

Submission:

Labcorp Genetics (formerly Invitae), Labcorp
Classification: Uncertain significance for Hereditary nonpolyposis colorectal neoplasms. Last evaluated: 2022-11-29. Review status: criteria provided, single submitter. Criteria: Invitae Variant Classification Sherloc (09022015). Collection method: clinical testing. Allele origin: germline.
Comment: In summary, the available evidence is currently insufficient to determine the role of this variant in disease. Therefore, it has been classified as a Variant of Uncertain Significance. Advanced modeling of protein sequence and biophysical properties (such as structural, functional, and spatial information, amino acid conservation, physicochemical variation, residue mobility, and thermodynamic stability) performed at Invitae indicates that this missense variant is not expected to disrupt MSH6 protein function. This variant has not been reported in the literature in individuals affected with MSH6-related conditions. This variant is not present in population databases (gnomAD no frequency). This sequence change replaces glutamine, which is neutral and polar, with arginine, which is basic and polar, at codon 325 of the MSH6 protein (p.Gln325Arg).